The following is an entry in ClinVar:

NM_000016.6(ACADM):c.755T>G (p.Phe252Cys)

Gene: ACADM (acyl-CoA dehydrogenase medium chain; plus strand). Cytogenetic location: 1p31.1.
Variant type: single nucleotide variant.
Coding change: c.755T>G on transcript NM_000016.6 (MANE Select); coding-DNA position 755, T replaced by G.
Protein change: p.Phe252Cys; replaces phenylalanine 252 with cysteine.
Molecular consequence: missense variant.
Genome position (GRCh38, 1-based): chr1:75,749,465, T>G. VCF-style: chr1-75749465-T-G. GRCh37 (hg19) VCF-style: chr1-76215150-T-G.
Other names: c.767T>G, p.Phe256Cys (NM_001127328.3); c.647T>G, p.Phe216Cys (NM_001286042.2); c.854T>G, p.Phe285Cys (NM_001286043.2); c.188T>G, p.Phe63Cys (NM_001286044.2); short protein forms F252C, F256C, F63C, F216C, F285C.
Identifiers: ClinVar variation 226067 (VCV000226067.21), dbSNP rs780510026, ClinGen allele CA913198.

ClinVar aggregate classification (germline): Conflicting classifications of pathogenicity. Review status: criteria provided, conflicting classifications (1 of 4 stars). 4 submissions from 4 submitters: Pathogenic (1); Uncertain significance (2). 1 of the submissions does not count toward it. Last evaluated 2025-12-28.

Conditions:
Medium-chain acyl-coenzyme A dehydrogenase deficiency (ACADMD). Also called: MCAD Deficiency; ACADM DEFICIENCY; MCADD; Medium chain acyl-CoA dehydrogenase deficiency; CARNITINE DEFICIENCY SECONDARY TO MEDIUM-CHAIN ACYL-CoA DEHYDROGENASE DEFICIENCY; MCADH DEFICIENCY. Identifiers: Orphanet 42, MedGen C0220710, MONDO:0008721, OMIM 201450.

Allele frequency attached by ClinVar (database versions not stated): gnomAD exomes below 0.00001; ExAC 0.00001.
gnomAD v4.1: 1 of 1,614,104 alleles (0.000062%); highest among the groups gnomAD compares: Admixed American, 0.0017%; no homozygotes.

Submissions (4):

Labcorp Genetics (formerly Invitae), Labcorp
Classification: Pathogenic for Medium-chain acyl-coenzyme A dehydrogenase deficiency. Last evaluated: 2025-12-28. Review status: criteria provided, single submitter. Criteria: Invitae Variant Classification Sherloc (09022015). Collection method: clinical testing. Allele origin: germline.
Comment: This sequence change replaces phenylalanine, which is neutral and non-polar, with cysteine, which is neutral and slightly polar, at codon 252 of the ACADM protein (p.Phe252Cys). This variant is present in population databases (rs780510026, gnomAD 0.003%). This missense change has been observed in individual(s) with MCAD deficiency (internal data). In at least one individual the data is consistent with being in trans (on the opposite chromosome) from a pathogenic variant. ClinVar contains an entry for this variant (Variation ID: 226067). Invitae Evidence Modeling of protein sequence and biophysical properties (such as structural, functional, and spatial information, amino acid conservation, physicochemical variation, residue mobility, and thermodynamic stability) indicates that this missense variant is expected to disrupt ACADM protein function with a positive predictive value of 80%. For these reasons, this variant has been classified as Pathogenic.

Knight Diagnostic Laboratories, Oregon Health and Sciences University
Classification: Uncertain significance for Acyl-coa dehydrogenase, medium-chain, deficiency of. Last evaluated: 2019-03-18. Review status: criteria provided, single submitter. Criteria: ACMG Guidelines, 2015. Collection method: clinical testing. Allele origin: germline. Observed: 1 variant allele.

ARUP Laboratories, Molecular Genetics and Genomics, ARUP Laboratories
Classification: Uncertain significance for Medium-chain acyl-coenzyme A dehydrogenase deficiency. Last evaluated: 2015-02-20. Review status: criteria provided, single submitter. Criteria: ACMG Guidelines, 2015. Collection method: clinical testing. Allele origin: germline. Inheritance: Autosomal recessive inheritance. Observed: 2 heterozygotes.

Natera, Inc.
Classification: Uncertain significance for Medium-chain acyl-coenzyme a dehydrogenase deficiency. Last evaluated: 2020-09-16. Review status: no assertion criteria provided. Collection method: clinical testing. Allele origin: germline. Not counted in ClinVar's aggregate classification.